The following is an entry in ClinVar:

ClinVar aggregate classification (germline): Uncertain significance. Review status: criteria provided, multiple submitters, no conflicts (2 of 4 stars). 6 submissions from 6 submitters: Uncertain significance (6). Last evaluated 2026-08-06.

Conditions:
Fanconi anemia (FA). Also called: Fanconi's anemia. Identifiers: Orphanet 84, MedGen C0015625, MeSH D005199, MONDO:0019391.
Fanconi anemia complementation group D2. Also called: FANCD2-Related Fanconi Anemia; FANCONI PANCYTOPENIA, TYPE 4; FANCONI ANEMIA, COMPLEMENTATION GROUP D. Identifiers: Orphanet 84, MedGen C3160738, MONDO:0009214, OMIM 227646.

Allele frequency attached by ClinVar (database versions not stated): ExAC 0.00008; gnomAD 0.00004 and 0.00005; gnomAD exomes 0.00005 and 0.00010.
gnomAD v4.1: 86 of 1,603,010 alleles (0.0054%); highest among the groups gnomAD compares: Middle Eastern, 0.13%; no homozygotes.

Submissions (6):

OLLIN Analises Genomicas, OLLIN
Classification: Uncertain significance for Fanconi anemia complementation group D2. Last evaluated: 2026-08-06. Review status: criteria provided, single submitter. Criteria: ACMG Guidelines 2015 PMID 25741868. Collection method: clinical testing. Allele origin: germline. Inheritance: Autosomal recessive inheritance.
Comment: This missense variant, located in exon 15 (of 44), has been reported in ClinVar (accession VCV000342265.18) and in gnomAD with an allele frequency of 0.0054%. However, to our knowledge, it has not been reported in the scientific literature. In silico analysis predicts that this variant has a tolerated effect. According to the currently available evidence, this variant has been classified as uncertain significance (PM2_P, BP4).

Fulgent Genetics
Classification: Uncertain significance for Fanconi anemia complementation group D2. Last evaluated: 2024-06-11. Review status: criteria provided, single submitter. Criteria: ACMG Guidelines, 2015. Collection method: clinical testing. Allele origin: germline.

Labcorp Genetics (formerly Invitae), Labcorp
Classification: Uncertain significance for Fanconi anemia. Last evaluated: 2024-05-21. Review status: criteria provided, single submitter. Criteria: Invitae Variant Classification Sherloc (09022015). Collection method: clinical testing. Allele origin: germline.
Comment: This sequence change replaces serine, which is neutral and polar, with cysteine, which is neutral and slightly polar, at codon 422 of the FANCD2 protein (p.Ser422Cys). The frequency data for this variant in the population databases is considered unreliable, as metrics indicate poor data quality at this position in the gnomAD database. This variant has not been reported in the literature in individuals affected with FANCD2-related conditions. ClinVar contains an entry for this variant (Variation ID: 342265). Advanced modeling of protein sequence and biophysical properties (such as structural, functional, and spatial information, amino acid conservation, physicochemical variation, residue mobility, and thermodynamic stability) performed at Invitae indicates that this missense variant is not expected to disrupt FANCD2 protein function with a negative predictive value of 80%. In summary, the available evidence is currently insufficient to determine the role of this variant in disease. Therefore, it has been classified as a Variant of Uncertain Significance.

GeneDx
Classification: Uncertain significance. Last evaluated: 2024-03-14. Review status: criteria provided, single submitter. Criteria: GeneDx Variant Classification Process June 2021. Collection method: clinical testing. Allele origin: germline. Affected: yes.
Comment: In silico analysis supports that this missense variant does not alter protein structure/function; Has not been previously published as pathogenic or benign to our knowledge

Center for Genomics, Ann and Robert H. Lurie Children's Hospital of Chicago
Classification: Uncertain significance for Fanconi anemia complementation group D2. Last evaluated: 2021-03-30. Review status: criteria provided, single submitter. Criteria: ACMG Guidelines, 2015. Collection method: clinical testing. Allele origin: germline.
Comment: FANCD2 NM_033084.4 exon 15 p.Ser422Cys (c.1265C>G): This variant has not been reported in the literature but is present in 0.01% (2/15288) of Latino alleles in the Genome Aggregation Database. This variant is present in ClinVar (Variation ID:342265). This variant amino acid Cysteine (Cys) is present in >10 species including multiple mammals and is not well conserved among evolutionarily distant species; this suggests that this variant may not impact the protein. Additional computational prediction tools do not suggest an impact. In summary, data on this variant is insufficient for disease classification. Therefore, the clinical significance of this variant is uncertain.

Illumina Laboratory Services, Illumina
Classification: Uncertain significance for Fanconi anemia complementation group D2. Last evaluated: 2018-01-13. Review status: criteria provided, single submitter. Criteria: ICSL Variant Classification Criteria 13 December 2019. Collection method: clinical testing. Allele origin: germline.

NM_001018115.3(FANCD2):c.1265C>G (p.Ser422Cys)

Genes: FANCD2 (FA complementation group D2; plus strand), LOC107303338 (3p25 FANCD2 Alu-mediated recombination region; plus strand). Cytogenetic location: 3p25.3.
Variant type: single nucleotide variant.
Coding change: c.1265C>G on transcript NM_001018115.3 (MANE Select); coding-DNA position 1265, C replaced by G.
Protein change: p.Ser422Cys; replaces serine 422 with cysteine.
Molecular consequence: missense variant.
Genome position (GRCh38, 1-based): chr3:10,046,710, C>G. VCF-style: chr3-10046710-C-G. GRCh37 (hg19) VCF-style: chr3-10088394-C-G.
Other names: c.1265C>G, p.Ser422Cys (NM_001319984.2, NM_001374253.1, NM_001374254.1 and 1 more transcripts); short protein forms S422C.
Identifiers: ClinVar variation 342265 (VCV000342265.19), dbSNP rs765378218, ClinGen allele CA2249565.